The following is an entry in ClinVar:

NM_030662.4(MAP2K2):c.919+252C>T

Gene: MAP2K2 (mitogen-activated protein kinase kinase 2; minus strand). Cytogenetic location: 19p13.3.
Variant type: single nucleotide variant.
Coding change: c.919+252C>T on transcript NM_030662.4 (MANE Select); 252 bases into the intron after coding-DNA position 919, C replaced by T.
Molecular consequence: intron variant.
Genome position (GRCh38, 1-based): chr19:4,098,949, G>A on the plus strand (C>T on the coding strand, the complement: MAP2K2 is on the minus strand). VCF-style: chr19-4098949-G-A. GRCh37 (hg19) VCF-style: chr19-4098947-G-A.
Identifiers: ClinVar variation 561819 (VCV000561819.1), dbSNP rs1979013, ClinGen allele CA14681473.

ClinVar aggregate classification (germline): Benign (1 of 4 stars; one submission).

Allele frequency attached by ClinVar (database versions not stated): TOPMed 0.17365; gnomAD 0.18076 and 0.18724; 1000 Genomes Project 30x 0.19129; 1000 Genomes Project 0.19868.
gnomAD v4.1: 28,495 of 152,254 alleles (19%); highest among the groups gnomAD compares: South Asian, 29%; 3,173 homozygotes.

Submission:

GeneDx
Classification: Benign. Last evaluated: 2018-06-18. Review status: criteria provided, single submitter. Criteria: GeneDx Variant Classification (06012015). Collection method: clinical testing. Allele origin: germline. Affected: yes.
Comment: This variant is considered likely benign or benign based on one or more of the following criteria: it is a conservative change, it occurs at a poorly conserved position in the protein, it is predicted to be benign by multiple in silico algorithms, and/or has population frequency not consistent with disease.